The following is an entry in ClinVar:

NM_001083961.2(WDR62):c.1334G>T (p.Ser445Ile)

Gene: WDR62 (WD repeat domain 62; plus strand). Cytogenetic location: 19q13.12.
Variant type: single nucleotide variant.
Coding change: c.1334G>T on transcript NM_001083961.2 (MANE Select); coding-DNA position 1334, G replaced by T.
Protein change: p.Ser445Ile; replaces serine 445 with isoleucine.
Molecular consequence: missense variant.
Genome position (GRCh38, 1-based): chr19:36,081,533, G>T. VCF-style: chr19-36081533-G-T. GRCh37 (hg19) VCF-style: chr19-36572435-G-T.
Other names: c.1319G>T, p.Ser440Ile (NM_001411145.1); c.1334G>T, p.Ser445Ile (NM_001411146.1, NM_173636.5); c.983G>T, p.Ser328Ile (NM_001411147.1); short protein forms S328I, S440I, S445I.
Identifiers: ClinVar variation 1806682 (VCV001806682.1), dbSNP rs1971899118, ClinGen allele CA405435488.

ClinVar aggregate classification (germline): Uncertain significance (1 of 4 stars; one submission).

Allele frequency attached by ClinVar (database versions not stated): TOPMed below 0.00001.

Submission:

GeneDx
Classification: Uncertain significance. Last evaluated: 2022-06-20. Review status: criteria provided, single submitter. Criteria: GeneDx Variant Classification Process June 2021. Collection method: clinical testing. Allele origin: germline. Affected: yes.
Comment: Not observed at significant frequency in large population cohorts (gnomAD); In silico analysis supports that this missense variant does not alter protein structure/function; Has not been previously published as pathogenic or benign to our knowledge